The following is an entry in ClinVar:

ClinVar aggregate classification (germline): Uncertain significance (1 of 4 stars; one submission).

Submission:

Labcorp Genetics (formerly Invitae), Labcorp
Classification: Uncertain significance. Last evaluated: 2021-11-01. Review status: criteria provided, single submitter. Criteria: Invitae Variant Classification Sherloc (09022015). Collection method: clinical testing. Allele origin: germline.
Comment: In summary, the available evidence is currently insufficient to determine the role of this variant in disease. Therefore, it has been classified as a Variant of Uncertain Significance. Algorithms developed to predict the effect of missense changes on protein structure and function are either unavailable or do not agree on the potential impact of this missense change (SIFT: "Deleterious"; PolyPhen-2: "Probably Damaging"; Align-GVGD: "Class C0"). This variant has not been reported in the literature in individuals affected with SAG-related conditions. This variant is not present in population databases (gnomAD no frequency). This sequence change replaces tyrosine, which is neutral and polar, with cysteine, which is neutral and slightly polar, at codon 62 of the SAG protein (p.Tyr62Cys).

NM_000541.5(SAG):c.185A>G (p.Tyr62Cys)

Gene: SAG (S-antigen visual arrestin; plus strand). Cytogenetic location: 2q37.1.
Variant type: single nucleotide variant.
Coding change: c.185A>G on transcript NM_000541.5 (MANE Select); coding-DNA position 185, A replaced by G.
Protein change: p.Tyr62Cys; replaces tyrosine 62 with cysteine.
Molecular consequence: missense variant.
Genome position (GRCh38, 1-based): chr2:233,320,633, A>G. VCF-style: chr2-233320633-A-G. GRCh37 (hg19) VCF-style: chr2-234229279-A-G.
Other names: short protein forms Y62C.
Identifiers: ClinVar variation 1390712 (VCV001390712.6), dbSNP rs2125328105, ClinGen allele CA351046094.